The following is an entry in ClinVar:

ClinVar aggregate classification (germline): Uncertain significance (1 of 4 stars; one submission).

Submission:

Labcorp Genetics (formerly Invitae), Labcorp
Classification: Uncertain significance. Last evaluated: 2024-06-04. Review status: criteria provided, single submitter. Criteria: Invitae Variant Classification Sherloc (09022015). Collection method: clinical testing. Allele origin: germline.
Comment: This sequence change replaces glutamine, which is neutral and polar, with leucine, which is neutral and non-polar, at codon 702 of the CDH2 protein (p.Gln702Leu). This variant is not present in population databases (gnomAD no frequency). This variant has not been reported in the literature in individuals affected with CDH2-related conditions. ClinVar contains an entry for this variant (Variation ID: 2120086). An algorithm developed to predict the effect of missense changes on protein structure and function (PolyPhen-2) suggests that this variant is likely to be tolerated. In summary, the available evidence is currently insufficient to determine the role of this variant in disease. Therefore, it has been classified as a Variant of Uncertain Significance.

NM_001792.5(CDH2):c.2105A>T (p.Gln702Leu)

Gene: CDH2 (cadherin 2; minus strand). Cytogenetic location: 18q12.1.
Variant type: single nucleotide variant.
Coding change: c.2105A>T on transcript NM_001792.5 (MANE Select); coding-DNA position 2105, A replaced by T.
Protein change: p.Gln702Leu; replaces glutamine 702 with leucine.
Molecular consequence: missense variant.
Genome position (GRCh38, 1-based): chr18:27,985,104, T>A on the plus strand (A>T on the coding strand, the complement: CDH2 is on the minus strand). VCF-style: chr18-27985104-T-A. GRCh37 (hg19) VCF-style: chr18-25565068-T-A.
Other names: c.2012A>T, p.Gln671Leu (NM_001308176.2); short protein forms Q671L, Q702L.
Identifiers: ClinVar variation 2120086 (VCV002120086.4), dbSNP rs2510792369, ClinGen allele CA402106862.